The following is an entry in ClinVar:

NM_003978.5(PSTPIP1):c.1151A>G (p.Asp384Gly)

Gene: PSTPIP1 (proline-serine-threonine phosphatase interacting protein 1; plus strand). Cytogenetic location: 15q24.3.
Variant type: single nucleotide variant.
Coding change: c.1151A>G on transcript NM_003978.5 (MANE Select); coding-DNA position 1151, A replaced by G.
Protein change: p.Asp384Gly; replaces aspartic acid 384 with glycine.
Molecular consequence: missense variant. On other transcripts: non-coding transcript variant (1).
Genome position (GRCh38, 1-based): chr15:77,037,076, A>G. VCF-style: chr15-77037076-A-G. GRCh37 (hg19) VCF-style: chr15-77329417-A-G.
Other names: c.1094A>G, p.Asp365Gly (NM_001321135.2); c.1124A>G, p.Asp375Gly (NM_001321136.2); c.1346A>G, p.Asp449Gly (NM_001321137.1); short protein forms D384G, D365G, D375G, D449G.
Identifiers: ClinVar variation 242305 (VCV000242305.90), dbSNP rs200771233, ClinGen allele CA7676210.
Genomic context (GRCh38, chr15:77,037,076, plus strand): 5'-ACGTCATGCGCTTTCAATCTCTTGGCCAGAACCCAGATGAGCTGGACCTGTCCGCGGGAG[A>G]CATCCTGGAGGTGATCCTGGAAGGGGAGGATGGCTGGTGGACTGTGGAGAGGAACGGGCA-3'
Protein context (NP_003969.2, residues 374-394): NPDELDLSAG[Asp384Gly]ILEVILEGED

ClinVar aggregate classification (germline): Benign/Likely benign. Review status: criteria provided, multiple submitters, no conflicts (2 of 4 stars). 10 submissions from 10 submitters: Benign (3); Likely benign (5). 2 of the submissions do not count toward it. Last evaluated 2026-09-01.

Conditions:
Autoinflammatory syndrome. Identifiers: Orphanet 93665, MedGen C3890737, MONDO:0019751.
Pyogenic arthritis-pyoderma gangrenosum-acne syndrome (PAPA). Also called: PAPA SYNDROME; FAMILIAL RECURRENT ARTHRITIS. Identifiers: Orphanet 69126, MedGen C1858361, MONDO:0011462, OMIM 604416.

Allele frequency attached by ClinVar (database versions not stated): gnomAD 0.00025 and 0.00049; ESP Exome Variant Server 0.00032; TOPMed 0.00033; 1000 Genomes Project 0.00060; 1000 Genomes Project 30x 0.00078; gnomAD exomes 0.00114; ExAC 0.00119.
gnomAD v4.1: 1,073 of 1,612,240 alleles (0.067%); highest among the groups gnomAD compares: South Asian, 0.74%; 6 homozygotes.

Submissions (10):

CeGaT Center for Human Genetics Tuebingen
Classification: Benign. Last evaluated: 2026-09-01. Review status: criteria provided, single submitter. Criteria: CeGaT Center For Human Genetics Tuebingen Variant Classification Criteria Version 2. Collection method: clinical testing. Allele origin: germline. Affected: yes. Observed: 9 variant alleles.
Comment: PSTPIP1: BS1, BS2

Labcorp Genetics (formerly Invitae), Labcorp
Classification: Benign for Pyogenic arthritis-pyoderma gangrenosum-acne syndrome. Last evaluated: 2026-01-25. Review status: criteria provided, single submitter. Criteria: Invitae Variant Classification Sherloc (09022015). Collection method: clinical testing. Allele origin: germline.

Blueprint Genetics
Classification: Likely benign. Last evaluated: 2024-11-26. Review status: criteria provided, single submitter. Criteria: ACMG Guidelines, 2015. Collection method: clinical testing. Allele origin: germline.

GeneDx
Classification: Likely benign. Last evaluated: 2021-09-02. Review status: criteria provided, single submitter. Criteria: GeneDx Variant Classification Process June 2021. Collection method: clinical testing. Allele origin: germline. Affected: yes.

Genome Diagnostics Laboratory, The Hospital for Sick Children
Classification: Likely benign for Autoinflammatory syndrome. Last evaluated: 2021-05-31. Review status: criteria provided, single submitter. Criteria: ACMG Guidelines, 2015. Collection method: clinical testing. Allele origin: germline. Affected: yes.

ARUP Laboratories, Molecular Genetics and Genomics, ARUP Laboratories
Classification: Likely benign. Last evaluated: 2018-06-11. Review status: criteria provided, single submitter. Criteria: ARUP Molecular Germline Variant Investigation Process. Collection method: clinical testing. Allele origin: germline.
Comment: The PSTPIP1 c.1151A>G: p.Asp384Gly variant (rs200771233), to our knowledge, is not reported in the medical literature or in gene-specific databases. The variant is listed in the ClinVar database (Variation ID: 242305) and in the Genome Aggregation Database in 0.7% (221/30776 alleles, 2 homozygotes) of the South Asian population. The aspartic acid at this position is weakly conserved but computational analyses (SIFT, PolyPhen-2) predict that this variant is deleterious. Considering the increased allele frequency and the presence of homozygotes, this variant is considered likely benign.

Illumina Laboratory Services, Illumina
Classification: Benign for Pyogenic arthritis-pyoderma gangrenosum-acne syndrome. Last evaluated: 2018-01-12. Review status: criteria provided, single submitter. Criteria: ICSL Variant Classification Criteria 13 December 2019. Collection method: clinical testing. Allele origin: germline.
Comment: This variant was observed in the ICSL laboratory as part of a predisposition screen in an ostensibly healthy population. It had not been previously curated by ICSL or reported in the Human Gene Mutation Database (HGMD: prior to June 1st, 2018), and was therefore a candidate for classification through an automated scoring system. Utilizing variant allele frequency, disease prevalence and penetrance estimates, and inheritance mode, an automated score was calculated to assess if this variant is too frequent to cause the disease. Based on the score and internal cut-off values, a variant classified as benign is not then subjected to further curation. The score for this variant resulted in a classification of benign for this disease.

Breakthrough Genomics
Classification: Likely benign. Review status: criteria provided, single submitter. Criteria: ACMG Guidelines, 2015. Collection method: not provided. Allele origin: germline. Inheritance: Autosomal dominant inheritance. Affected: yes.

Clinical Genetics DNA and cytogenetics Diagnostics Lab, Erasmus MC, Erasmus Medical Center
Classification: Likely benign. Review status: no assertion criteria provided. Collection method: clinical testing. Allele origin: germline. Affected: yes. Study: VKGL Data-share Consensus. Not counted in ClinVar's aggregate classification.

Genome Diagnostics Laboratory, University Medical Center Utrecht
Classification: Likely benign. Review status: no assertion criteria provided. Collection method: clinical testing. Allele origin: germline. Affected: yes. Study: VKGL Data-share Consensus. Not counted in ClinVar's aggregate classification.